The following is an entry in ClinVar:

ClinVar aggregate classification (germline): Uncertain significance (1 of 4 stars; one submission).

Conditions:
Inborn genetic diseases. Identifiers: MedGen C0950123, MeSH D030342.

gnomAD v4.1: 2 of 1,485,166 alleles (0.00013%); highest among the groups gnomAD compares: African/African-American, 0.0015%; no homozygotes.

Submission:

Ambry Genetics
Classification: Uncertain significance for Inborn genetic diseases. Last evaluated: 2026-02-14. Review status: criteria provided, single submitter. Criteria: Ambry Variant Classification Scheme 2023. Collection method: clinical testing. Allele origin: germline.
Comment: The p.P191L variant (also known as c.572C>T), located in coding exon 1 of the SH2B3 gene, results from a C to T substitution at nucleotide position 572. The proline at codon 191 is replaced by leucine, an amino acid with similar properties. This amino acid position is conserved. In addition, this alteration is predicted to be tolerated by in silico analysis. Based on the available evidence, the clinical significance of this variant remains unclear.

NM_005475.3(SH2B3):c.572C>T (p.Pro191Leu)

Gene: SH2B3 (SH2B adaptor protein 3; plus strand). Cytogenetic location: 12q24.12.
Variant type: single nucleotide variant.
Coding change: c.572C>T on transcript NM_005475.3 (MANE Select); coding-DNA position 572, C replaced by T.
Protein change: p.Pro191Leu; replaces proline 191 with leucine.
Molecular consequence: missense variant.
Genome position (GRCh38, 1-based): chr12:111,418,717, C>T. VCF-style: chr12-111418717-C-T. GRCh37 (hg19) VCF-style: chr12-111856521-C-T.
Other names: short protein forms P191L.
Identifiers: ClinVar variation 4824362 (VCV004824362.1).